The following is an entry in ClinVar:

NM_001876.4(CPT1A):c.771+17G>C

Gene: CPT1A (carnitine palmitoyltransferase 1A; minus strand). Cytogenetic location: 11q13.3.
Variant type: single nucleotide variant.
Coding change: c.771+17G>C on transcript NM_001876.4 (MANE Select); 17 bases into the intron after coding-DNA position 771, G replaced by C.
Molecular consequence: intron variant.
Genome position (GRCh38, 1-based): chr11:68,796,839, C>G on the plus strand (G>C on the coding strand, the complement: CPT1A is on the minus strand). VCF-style: chr11-68796839-C-G. GRCh37 (hg19) VCF-style: chr11-68564307-C-G.
Other names: c.771+17G>C (NM_001031847.3).
Identifiers: ClinVar variation 509270 (VCV000509270.5), dbSNP rs201034164, ClinGen allele CA6152539.
Genomic context (GRCh38, chr11:68,796,839, plus strand): 5'-GTGAAGACGCCACCTCTGTGGACAGACCCGCCGCCCCACCGTCCTCGTCAGACAGCAGCC[C>G]GGGCGGGTGGACTCACCATGGCATAATAGTTGCTGTTCACCATGAGCGGCCCTCGTCCTC-3'

ClinVar aggregate classification (germline): Likely benign. Review status: criteria provided, multiple submitters, no conflicts (2 of 4 stars). 2 submissions from 2 submitters: Likely benign (2). Last evaluated 2025-12-04.

Conditions:
Carnitine palmitoyl transferase 1A deficiency. Also called: Carnitine palmitoyltransferase 1A deficiency; CPT I DEFICIENCY; CPT DEFICIENCY, HEPATIC, TYPE I; Carnitine palmitoyltransferase type I deficiency; CPT deficiency, hepatic, type IA. Identifiers: Orphanet 156, MedGen C1829703, MONDO:0009705, OMIM 255120.

Allele frequency attached by ClinVar (database versions not stated): TOPMed 0.00005.
gnomAD v4.1: 93 of 1,612,736 alleles (0.0058%); highest among the groups gnomAD compares: Non-Finnish European, 0.0071%; no homozygotes.

Submissions (2):

Labcorp Genetics (formerly Invitae), Labcorp
Classification: Likely benign for Carnitine palmitoyl transferase 1A deficiency. Last evaluated: 2025-12-04. Review status: criteria provided, single submitter. Criteria: Invitae Variant Classification Sherloc (09022015). Collection method: clinical testing. Allele origin: germline.

GeneDx
Classification: Likely benign. Last evaluated: 2017-05-15. Review status: criteria provided, single submitter. Criteria: GeneDx Variant Classification (06012015). Collection method: clinical testing. Allele origin: germline. Affected: yes.
Comment: This variant is considered likely benign or benign based on one or more of the following criteria: it is a conservative change, it occurs at a poorly conserved position in the protein, it is predicted to be benign by multiple in silico algorithms, and/or has population frequency not consistent with disease.